The following is an entry in ClinVar:

NM_001166108.2(PALLD):c.2332G>A (p.Gly778Ser)

Genes: CBR4 (carbonyl reductase 4; minus strand), PALLD (palladin, cytoskeletal associated protein; plus strand). Cytogenetic location: 4q32.3.
Variant type: single nucleotide variant.
Coding change: c.2332G>A on transcript NM_001166108.2 (MANE Select); coding-DNA position 2332, G replaced by A.
Protein change: p.Gly778Ser; replaces glycine 778 with serine.
Molecular consequence: missense variant.
Genome position (GRCh38, 1-based): chr4:168,898,574, G>A. VCF-style: chr4-168898574-G-A. GRCh37 (hg19) VCF-style: chr4-169819725-G-A.
Other names: c.2281G>A, p.Gly761Ser (NM_016081.4); c.1135G>A, p.Gly379Ser (NM_001166109.2); c.820G>A, p.Gly274Ser (NM_001166110.2); c.160G>A, p.Gly54Ser (NM_001367567.1, NM_001367569.1); c.211G>A, p.Gly71Ser (NM_001367568.1, NM_001367570.1); short protein forms G71S, G761S, G274S, G379S, G54S, G778S.
Identifiers: ClinVar variation 5026256 (VCV005026256.1).

ClinVar aggregate classification (germline): Uncertain significance (1 of 4 stars; one submission).

Submission:

Ambry Genetics
Classification: Uncertain significance. Last evaluated: 2026-09-04. Review status: criteria provided, single submitter. Criteria: Ambry Variant Classification Scheme 2023. Collection method: clinical testing. Allele origin: germline.
Comment: The p.G274S variant (also known as c.820G>A), located in coding exon 4 of the PALLD gene, results from a G to A substitution at nucleotide position 820. The glycine at codon 274 is replaced by serine, an amino acid with similar properties. This amino acid position is conserved. In addition, this alteration is predicted to be tolerated by in silico analysis. Based on the available evidence, the clinical significance of this variant remains unclear.